The following is an entry in ClinVar:

NM_002055.5(GFAP):c.1087A>G (p.Ile363Val)

Genes: GFAP (glial fibrillary acidic protein; minus strand), LOC130060994 (ATAC-STARR-seq lymphoblastoid active region 12266; plus strand). Cytogenetic location: 17q21.31.
Variant type: single nucleotide variant.
Coding change: c.1087A>G on transcript NM_002055.5 (MANE Select); coding-DNA position 1087, A replaced by G.
Protein change: p.Ile363Val; replaces isoleucine 363 with valine.
Molecular consequence: missense variant.
Genome position (GRCh38, 1-based): chr17:44,911,276, T>C on the plus strand (A>G on the coding strand, the complement: GFAP is on the minus strand). VCF-style: chr17-44911276-T-C. GRCh37 (hg19) VCF-style: chr17-42988644-T-C.
Other names: NM_002055.5(GFAP):c.1087A>G; p.Ile363Val; c.1087A>G, p.Ile363Val (NM_001131019.3, NM_001242376.3, NM_001363846.2); short protein forms I363V.
Identifiers: ClinVar variation 1685846 (VCV001685846.2), dbSNP rs2145632673, ClinGen allele CA399843481.

ClinVar aggregate classification (germline): Likely pathogenic. Review status: reviewed by expert panel (3 of 4 stars). 2 submissions from 2 submitters: Likely pathogenic (1). 1 of the submissions does not count toward it. Last evaluated 2026-08-18.

Conditions:
Alexander disease (ALXDRD). Also called: Alexander's disease. Identifiers: Orphanet 58, MedGen C0270726, MONDO:0008752, OMIM 203450.

Submissions (2):

ClinGen Leukodystrophy and Leukoencephalopathy Variant Curation Expert Panel, ClinGen
Classification: Likely pathogenic for Alexander disease. Last evaluated: 2026-08-18. Review status: reviewed by expert panel. Criteria: ClinGen Leuko ACMG Specifications GFAP V1.0. Collection method: curation. Allele origin: germline. Inheritance: Autosomal dominant inheritance.
Comment: The NM_002055.5(GFAP):c.259G>A, variant in GFAP is a missense variant predicited to cause a substitution of valine by isoleucine at amino acid 87 (p.Val87Ile). This variant has been identified as a de novo occurrences with confirmed paternal relationships in two individuals who met diagnostic criteria for Alexander Disease per ClinGen Leukodystrophy and Leukoencephalopathy Expert Panel Specifications to the ACMG/AMP Variant Interpretation Guidelines for GFAP Version 1.0.0 (PS2, PS4_[Supporting]; PMID: 29057636, internal communication). This variant is absent from gnomAD v[4.1.1] (PM2_Supporting). In summary, this variant meets the criteria to be classified Likely Pathogenic for Alexander Disease based on the ACMG/AMP criteria applied, as specified by the ClinGen Leukodystrophy and Leukoencephalopathy VCEP: PS2, PS4_Moderate, PM2_Supporting (ClinGen Leukodystrophy and Leukoencephalopathy VCEP Specifications Version 1.0.0).

Mendelics
Classification: Pathogenic for Alexander disease. Last evaluated: 2022-05-04. Review status: criteria provided, single submitter. Criteria: Mendelics Assertion Criteria 2019. Collection method: clinical testing. Allele origin: germline. Not counted in ClinVar's aggregate classification.